The following is an entry in ClinVar:

NM_000459.5(TEK):c.959G>A (p.Gly320Glu)

Gene: TEK (TEK receptor tyrosine kinase; plus strand). Cytogenetic location: 9p21.2.
Variant type: single nucleotide variant.
Coding change: c.959G>A on transcript NM_000459.5 (MANE Select); coding-DNA position 959, G replaced by A.
Protein change: p.Gly320Glu; replaces glycine 320 with glutamic acid.
Molecular consequence: missense variant. On other transcripts: intron variant (3).
Genome position (GRCh38, 1-based): chr9:27,180,297, G>A. VCF-style: chr9-27180297-G-A. GRCh37 (hg19) VCF-style: chr9-27180295-G-A.
Other names: c.959G>A, p.Gly320Glu (NM_001375475.1); c.902-3162G>A (NM_001290077.2, NM_001375476.1); c.590-3162G>A (NM_001290078.2); short protein forms G320E.
Identifiers: ClinVar variation 2659134 (VCV002659134.23), dbSNP rs2490156338, ClinGen allele CA373128947.
Genomic context (GRCh38, chr9:27,180,297, plus strand): 5'-CAGCATGCCACCCTGGTTTTTACGGGCCAGATTGTAAGCTTAGGTGCAGCTGCAACAATG[G>A]GGAGATGTGTGATCGCTTCCAAGGATGTCTCTGCTCTCCAGGATGGCAGGGGCTCCAGTG-3'
Protein context (NP_000450.3, residues 310-330): DCKLRCSCNN[Gly320Glu]EMCDRFQGCL

ClinVar aggregate classification (germline): Uncertain significance (1 of 4 stars; one submission).

Submission:

CeGaT Center for Human Genetics Tuebingen
Classification: Uncertain significance. Last evaluated: 2022-05-01. Review status: criteria provided, single submitter. Criteria: CeGaT Center For Human Genetics Tuebingen Variant Classification Criteria Version 2. Collection method: clinical testing. Allele origin: germline. Affected: yes. Observed: 1 variant allele.
Comment: TEK: PM2, BP4